The following is an entry in ClinVar:

NM_000426.4(LAMA2):c.179A>T (p.Glu60Val)

Gene: LAMA2 (laminin subunit alpha 2; plus strand). Cytogenetic location: 6q22.33.
Variant type: single nucleotide variant.
Coding change: c.179A>T on transcript NM_000426.4 (MANE Select); coding-DNA position 179, A replaced by T.
Protein change: p.Glu60Val; replaces glutamic acid 60 with valine.
Molecular consequence: missense variant.
Genome position (GRCh38, 1-based): chr6:129,049,984, A>T. VCF-style: chr6-129049984-A-T. GRCh37 (hg19) VCF-style: chr6-129371129-A-T.
Other names: c.179A>T, p.Glu60Val (NM_001079823.2); short protein forms E60V.
Identifiers: ClinVar variation 2055272 (VCV002055272.4), dbSNP rs923296045, ClinGen allele CA147269446.
Genomic context (GRCh38, chr6:129,049,984, plus strand): 5'-TCCCTGCTGTCCTGAATCTTGCTTCTAATGCTCTTATCACGACCAATGCAACATGTGGAG[A>T]AAAAGGACCTGAAATGTACTGCAAATTGGTAGAACATGTCCCTGGGCAGCCTGTGAGGAA-3'
Protein context (NP_000417.3, residues 50-70): ALITTNATCG[Glu60Val]KGPEMYCKLV

ClinVar aggregate classification (germline): Uncertain significance (1 of 4 stars; one submission).

Conditions:
LAMA2-related muscular dystrophy (LAMA2-RD). Also called: Laminin alpha 2-related dystrophy. Identifiers: MedGen C5679788, MONDO:0100228.

Submission:

Labcorp Genetics (formerly Invitae), Labcorp
Classification: Uncertain significance for LAMA2-related muscular dystrophy. Last evaluated: 2022-03-18. Review status: criteria provided, single submitter. Criteria: Invitae Variant Classification Sherloc (09022015). Collection method: clinical testing. Allele origin: germline.
Comment: This sequence change replaces glutamic acid, which is acidic and polar, with valine, which is neutral and non-polar, at codon 60 of the LAMA2 protein (p.Glu60Val). This variant is not present in population databases (gnomAD no frequency). This variant has not been reported in the literature in individuals affected with LAMA2-related conditions. Advanced modeling of protein sequence and biophysical properties (such as structural, functional, and spatial information, amino acid conservation, physicochemical variation, residue mobility, and thermodynamic stability) performed at Invitae indicates that this missense variant is not expected to disrupt LAMA2 protein function. In summary, the available evidence is currently insufficient to determine the role of this variant in disease. Therefore, it has been classified as a Variant of Uncertain Significance.